The following is an entry in ClinVar:

NM_013275.6(ANKRD11):c.7152G>A (p.Pro2384=)

Gene: ANKRD11 (ankyrin repeat domain 11; minus strand). Cytogenetic location: 16q24.3.
Variant type: single nucleotide variant.
Coding change: c.7152G>A on transcript NM_013275.6 (MANE Select); coding-DNA position 7152, G replaced by A.
Protein change: p.Pro2384=; no amino-acid change (proline 2384 retained).
Molecular consequence: synonymous variant.
Genome position (GRCh38, 1-based): chr16:89,279,390, C>T on the plus strand (G>A on the coding strand, the complement: ANKRD11 is on the minus strand). VCF-style: chr16-89279390-C-T. GRCh37 (hg19) VCF-style: chr16-89345798-C-T.
Other names: c.7152G>A, p.Pro2384= (NM_001256182.2, NM_001256183.2).
Identifiers: ClinVar variation 1097291 (VCV001097291.33), dbSNP rs1365015168, ClinGen allele CA497372599.

ClinVar aggregate classification (germline): Likely benign. Review status: criteria provided, multiple submitters, no conflicts (2 of 4 stars). 2 submissions from 2 submitters: Likely benign (2). Last evaluated 2024-12-08.

Conditions:
KBG syndrome (KBGS). Also called: ANKRD11-Related KBG Syndrome. Identifiers: Orphanet 2332, MedGen C0220687, MONDO:0007846, OMIM 148050.

Allele frequency attached by ClinVar (database versions not stated): gnomAD 0.00001; gnomAD exomes 0.00001 and 0.00002; TOPMed 0.00002.
gnomAD v4.1: 12 of 1,563,556 alleles (0.00077%); highest among the groups gnomAD compares: East Asian, 0.012%; no homozygotes.

Submissions (2):

Labcorp Genetics (formerly Invitae), Labcorp
Classification: Likely benign for KBG syndrome. Last evaluated: 2024-12-08. Review status: criteria provided, single submitter. Criteria: Invitae Variant Classification Sherloc (09022015). Collection method: clinical testing. Allele origin: germline.

CeGaT Center for Human Genetics Tuebingen
Classification: Likely benign. Last evaluated: 2024-04-01. Review status: criteria provided, single submitter. Criteria: CeGaT Center For Human Genetics Tuebingen Variant Classification Criteria Version 2. Collection method: clinical testing. Allele origin: germline. Affected: yes. Observed: 2 variant alleles.
Comment: ANKRD11: BP4, BP7